The following is an entry in ClinVar:

ClinVar aggregate classification (germline): Pathogenic (1 of 4 stars; one submission).

Conditions:
Primary ciliary dyskinesia 9. Also called: CILIARY DYSKINESIA, PRIMARY, 9, WITH OR WITHOUT SITUS INVERSUS. Identifiers: Orphanet 244, MedGen C2676235, MONDO:0012906, OMIM 612444.

gnomAD v4.1: 1 of 1,614,016 alleles (0.000062%); highest among the groups gnomAD compares: South Asian, 0.0011%; no homozygotes.

Submission:

Myriad Genetics, Inc.
Classification: Pathogenic for Primary ciliary dyskinesia 9. Last evaluated: 2024-08-02. Review status: criteria provided, single submitter. Criteria: Myriad Autosomal Dominant, Autosomal Recessive and X-Linked Classification Criteria (2023). Collection method: clinical testing. Allele origin: unknown.
Comment: NM_023036.4(DNAI2):c.1206G>A(W402*) is expected to be pathogenic in the context of primary ciliary dyskinesia, DNAI2-related. This variant is predicted to lead to an abnormal or absent protein product due to the creation of a premature termination codon in DNAI2, a gene where loss-of-function variants are known to be pathogenic. Please note: this variant was assessed in the context of healthy population screening.

NM_023036.6(DNAI2):c.1206G>A (p.Trp402Ter)

Gene: DNAI2 (dynein axonemal intermediate chain 2; plus strand). Cytogenetic location: 17q25.1.
Variant type: single nucleotide variant.
Coding change: c.1206G>A on transcript NM_023036.6 (MANE Select); coding-DNA position 1206, G replaced by A.
Protein change: p.Trp402Ter; replaces tryptophan 402 with a stop codon.
Molecular consequence: nonsense. On other transcripts: non-coding transcript variant (1).
Genome position (GRCh38, 1-based): chr17:74,305,437, G>A. VCF-style: chr17-74305437-G-A. GRCh37 (hg19) VCF-style: chr17-72301576-G-A.
Other names: c.1206G>A, p.Trp402Ter (NM_001172810.3, NM_001353167.2); short protein forms W402*.
Identifiers: ClinVar variation 5013398 (VCV005013398.1).